The following is an entry in ClinVar:

NM_000159.4(GCDH):c.881G>A (p.Arg294Gln)

Gene: GCDH (glutaryl-CoA dehydrogenase; plus strand). Cytogenetic location: 19p13.13.
Variant type: single nucleotide variant.
Coding change: c.881G>A on transcript NM_000159.4 (MANE Select); coding-DNA position 881, G replaced by A.
Protein change: p.Arg294Gln; replaces arginine 294 with glutamine.
Molecular consequence: missense variant. On other transcripts: non-coding transcript variant (2).
Genome position (GRCh38, 1-based): chr19:12,896,938, G>A. VCF-style: chr19-12896938-G-A. GRCh37 (hg19) VCF-style: chr19-13007752-G-A.
Other names: c.881G>A (NM_000159.2); c.881G>A, p.Arg294Gln (NM_013976.5); short protein forms R294Q.
Identifiers: ClinVar variation 859875 (VCV000859875.22), dbSNP rs775606471, ClinGen allele CA9234536.

ClinVar aggregate classification (germline): Conflicting classifications of pathogenicity. Review status: criteria provided, conflicting classifications (1 of 4 stars). 7 submissions from 7 submitters: Pathogenic (4); Likely pathogenic (1); Uncertain significance (1). 1 of the submissions does not count toward it. Last evaluated 2025-11-02.

Conditions:
Glutaric aciduria, type 1. Also called: Glutaric Acidemia Type 1; GA I; Glutaricacidemia Type 1; Glutaricaciduria, type I; Glutaryl-CoA dehydrogenase deficiency; Glutaric acidemia type I. Identifiers: Orphanet 25, MedGen C0268595, MONDO:0009281, OMIM 231670.

Allele frequency attached by ClinVar (database versions not stated): gnomAD exomes 0.00001 and 0.00003; ExAC 0.00002; TOPMed 0.00004; gnomAD 0.00005.
gnomAD v4.1: 47 of 1,613,104 alleles (0.0029%); highest among the groups gnomAD compares: African/African-American, 0.0067%; no homozygotes.

Submissions (7):

Labcorp Genetics (formerly Invitae), Labcorp
Classification: Pathogenic for Glutaric aciduria, type 1. Last evaluated: 2025-11-02. Review status: criteria provided, single submitter. Criteria: Invitae Variant Classification Sherloc (09022015). Collection method: clinical testing. Allele origin: germline.
Comment: This sequence change replaces arginine, which is basic and polar, with glutamine, which is neutral and polar, at codon 294 of the GCDH protein (p.Arg294Gln). This variant is present in population databases (rs775606471, gnomAD 0.006%). This missense change has been observed in individual(s) with glutaric acidemia (PMID: 15505393, 29665094). ClinVar contains an entry for this variant (Variation ID: 859875). Invitae Evidence Modeling of protein sequence and biophysical properties (such as structural, functional, and spatial information, amino acid conservation, physicochemical variation, residue mobility, and thermodynamic stability) indicates that this missense variant is expected to disrupt GCDH protein function with a positive predictive value of 80%. This variant disrupts the p.Arg294 amino acid residue in GCDH. Other variant(s) that disrupt this residue have been determined to be pathogenic (PMID: 9600243, 15505393, 25762492, 29201125; internal data). This suggests that this residue is clinically significant, and that variants that disrupt this residue are likely to be disease-causing. For these reasons, this variant has been classified as Pathogenic.

GeneDx
Classification: Likely pathogenic. Last evaluated: 2025-05-15. Review status: criteria provided, single submitter. Criteria: GeneDx Variant Classification Process June 2021. Collection method: clinical testing. Allele origin: germline. Affected: yes.
Comment: Not observed at significant frequency in large population cohorts (gnomAD); In silico analysis supports that this missense variant has a deleterious effect on protein structure/function; This variant is associated with the following publications: (PMID: 15505393, 29665094, 30740735, 29201125, 31788423, 37020324, 37597066, 38784038, 32508882, Mir2025[casereport])

Natera, Inc.
Classification: Pathogenic for Glutaric acidemia type 1. Last evaluated: 2025-03-14. Review status: criteria provided, single submitter. Criteria: Natera Variant Classification Schema (03/2026). Collection method: clinical testing. Allele origin: germline.
Comment: The c.881G>A variant in GCDH is a missense variant predicted to cause substitution of arginine to glutamine at amino acid 294. This variant is rare in the general population with a frequency below the threshold expected for the associated phenotype(s). This variant has been observed in one or more individuals affected with the associated recessive disease, as either homozygous or compound heterozygous with a second variant (PMID: 35662016, 31788423). Computational prediction algorithms indicate this variant is likely to affect gene or protein function. Given the available evidence, this variant is classified as Pathogenic.

Blueprint Genetics
Classification: Uncertain significance. Last evaluated: 2024-10-25. Review status: criteria provided, single submitter. Criteria: ACMG Guidelines, 2015. Collection method: clinical testing. Allele origin: germline.

Mendelics
Classification: Pathogenic for Glutaric aciduria, type 1. Last evaluated: 2022-05-04. Review status: criteria provided, single submitter. Criteria: Mendelics Assertion Criteria 2019. Collection method: clinical testing. Allele origin: germline.

Women's Health and Genetics/Laboratory Corporation of America, LabCorp
Classification: Pathogenic for Glutaric aciduria, type 1. Last evaluated: 2022-03-22. Review status: criteria provided, single submitter. Criteria: LabCorp Variant Classification Summary - May 2015. Collection method: clinical testing. Allele origin: germline.
Comment: Variant summary: GCDH c.881G>A (p.Arg294Gln) results in a conservative amino acid change in the encoded protein sequence. Four of five in-silico tools predict a damaging effect of the variant on protein function. The variant allele was found at a frequency of 1.2e-05 in 250556 control chromosomes. c.881G>A has been reported in the literature in multiple individuals affected with Glutaric Acidemia Type 1. These data indicate that the variant is very likely to be associated with disease. At least one publication reports experimental evidence and showed that GCDH activity was not detected in fibroblasts from the patient with homozygous R294Q. Two clinical diagnostic laboratories have submitted clinical-significance assessments for this variant to ClinVar after 2014 without evidence for independent evaluation. One laboratory classified the variant as pathogenic, and one laboratory classified the variant as uncertain significance. Based on the evidence outlined above, the variant was classified as pathogenic.

Neonatal Disease Screening Center, Medical Genetics Center, Huaihua City Maternal and Child Health Care Hospital
Classification: Likely pathogenic for Glutaric aciduria, type 1. Review status: no assertion criteria provided. Criteria: ACMG Guidelines, 2015. Collection method: clinical testing. Allele origin: germline. Affected: yes. Observed: 1 variant allele. Not counted in ClinVar's aggregate classification.
Comment: PM2_P+PM3_S+PP3+PP4

Literature cited by the submitters: PubMed 15505393 (cited by Labcorp Genetics (formerly Invitae), Labcorp and Women's Health and Genetics/Laboratory Corporation of America, LabCorp); PubMed 29665094 (cited by Labcorp Genetics (formerly Invitae), Labcorp and Women's Health and Genetics/Laboratory Corporation of America, LabCorp); PubMed 9600243 (cited by Labcorp Genetics (formerly Invitae), Labcorp); PubMed 25762492 (cited by Labcorp Genetics (formerly Invitae), Labcorp); PubMed 29201125 (cited by Labcorp Genetics (formerly Invitae), Labcorp); PubMed 35662016 (cited by Natera, Inc.); PubMed 31788423 (cited by Natera, Inc. and Women's Health and Genetics/Laboratory Corporation of America, LabCorp).